The following is an entry in ClinVar:

ClinVar aggregate classification (germline): Likely pathogenic (1 of 4 stars; one submission).

gnomAD v4.1: 1 of 1,597,562 alleles (0.000063%); highest among the groups gnomAD compares: Non-Finnish European, 0.000086%; no homozygotes.

Submission:

Labcorp Genetics (formerly Invitae), Labcorp
Classification: Likely pathogenic. Last evaluated: 2024-05-02. Review status: criteria provided, single submitter. Criteria: Invitae Variant Classification Sherloc (09022015). Collection method: clinical testing. Allele origin: germline.
Comment: This sequence change affects a donor splice site in intron 8 of the CDC45 gene. It is expected to disrupt RNA splicing. Variants that disrupt the donor or acceptor splice site typically lead to a loss of protein function (PMID: 16199547), and loss-of-function variants in CDC45 are known to be pathogenic (PMID: 27374770, 30986546). This variant is not present in population databases (gnomAD no frequency). This variant has not been reported in the literature in individuals affected with CDC45-related conditions. Algorithms developed to predict the effect of sequence changes on RNA splicing suggest that this variant may disrupt the consensus splice site. In summary, the currently available evidence indicates that the variant is pathogenic, but additional data are needed to prove that conclusively. Therefore, this variant has been classified as Likely Pathogenic.

Literature cited by the submitters: PubMed 16199547; PubMed 27374770; PubMed 30986546.

NM_003504.5(CDC45):c.591+1G>A

Gene: CDC45 (cell division cycle 45; plus strand). Cytogenetic location: 22q11.21.
Variant type: single nucleotide variant.
Coding change: c.591+1G>A on transcript NM_003504.5 (MANE Select); the canonical splice donor site of the intron after coding-DNA position 591, G replaced by A.
Molecular consequence: splice donor variant.
Genome position (GRCh38, 1-based): chr22:19,496,030, G>A. VCF-style: chr22-19496030-G-A. GRCh37 (hg19) VCF-style: chr22-19483553-G-A.
Other names: c.555+1G>A (NM_001369291.1); c.687+1G>A (NM_001178010.2); c.453+1G>A (NM_001178011.2).
Identifiers: ClinVar variation 3627786 (VCV003627786.2).